The following is an entry in ClinVar:

ClinVar aggregate classification (germline): Uncertain significance (1 of 4 stars; one submission).

Allele frequency attached by ClinVar (database versions not stated): gnomAD exomes below 0.00001.
gnomAD v4.1: 2 of 1,614,212 alleles (0.00012%); highest among the groups gnomAD compares: Non-Finnish European, 0.00017%; no homozygotes.

Submission:

Labcorp Genetics (formerly Invitae), Labcorp
Classification: Uncertain significance. Last evaluated: 2024-07-25. Review status: criteria provided, single submitter. Criteria: Invitae Variant Classification Sherloc (09022015). Collection method: clinical testing. Allele origin: germline.
Comment: This sequence change replaces valine, which is neutral and non-polar, with alanine, which is neutral and non-polar, at codon 175 of the REST protein (p.Val175Ala). The frequency data for this variant in the population databases is considered unreliable, as metrics indicate poor data quality at this position in the gnomAD database. This variant has not been reported in the literature in individuals affected with REST-related conditions. ClinVar contains an entry for this variant (Variation ID: 1434276). An algorithm developed to predict the effect of missense changes on protein structure and function (PolyPhen-2) suggests that this variant is likely to be disruptive. In summary, the available evidence is currently insufficient to determine the role of this variant in disease. Therefore, it has been classified as a Variant of Uncertain Significance.

NM_005612.5(REST):c.524T>C (p.Val175Ala)

Gene: REST (RE1 silencing transcription factor; plus strand). Cytogenetic location: 4q12.
Variant type: single nucleotide variant.
Coding change: c.524T>C on transcript NM_005612.5 (MANE Select); coding-DNA position 524, T replaced by C.
Protein change: p.Val175Ala; replaces valine 175 with alanine.
Molecular consequence: missense variant.
Genome position (GRCh38, 1-based): chr4:56,911,162, T>C. VCF-style: chr4-56911162-T-C. GRCh37 (hg19) VCF-style: chr4-57777328-T-C.
Other names: c.524T>C, p.Val175Ala (NM_001193508.2, NM_001363453.3); short protein forms V175A.
Identifiers: ClinVar variation 1434276 (VCV001434276.8), dbSNP rs1178455302, ClinGen allele CA357004224.
Genomic context (GRCh38, chr4:56,911,162, plus strand): 5'-AGACCAAACCCTTTCGCTGTAAGCCATGCCAATATGAAGCAGAATCTGAAGAACAGTTTG[T>C]GCATCACATCAGAGTTCACAGTGCTAAGAAATTTTTTGTGGAAGAGAGTGCAGAGAAGCA-3'
Protein context (NP_005603.3, residues 165-185): QYEAESEEQF[Val175Ala]HHIRVHSAKK